The following is an entry in ClinVar:

ClinVar aggregate classification (germline): Uncertain significance. Review status: criteria provided, multiple submitters, no conflicts (2 of 4 stars). 6 submissions from 6 submitters: Uncertain significance (5). 1 of the submissions does not count toward it. Last evaluated 2025-11-14.

Conditions:
Familial melanoma. Also called: Hereditary melanoma; Hereditary cutaneous melanoma. Identifiers: Orphanet 618, MedGen C1512419, MONDO:0018961.
Hereditary cancer-predisposing syndrome. Also called: Neoplastic Syndromes, Hereditary; Hereditary neoplastic syndrome; Tumor predisposition; Hereditary Cancer Syndrome. Identifiers: Orphanet 140162, MedGen C0027672, MeSH D009386, MONDO:0015356.
Melanoma-pancreatic cancer syndrome. Identifiers: Orphanet 404560, MedGen C1838547, MONDO:0011713, OMIM 606719. Disease mechanism: loss of function.

Allele frequency attached by ClinVar (database versions not stated): gnomAD exomes below 0.00001 and 0.00002; ExAC 0.00003; gnomAD 0.00001; TOPMed below 0.00001.
gnomAD v4.1: 8 of 1,605,614 alleles (0.0005%); highest among the groups gnomAD compares: Admixed American, 0.0034%; no homozygotes.

Submissions (6):

Ambry Genetics
Classification: Uncertain significance for Hereditary cancer-predisposing syndrome. Last evaluated: 2025-11-14. Review status: criteria provided, single submitter. Criteria: Ambry Variant Classification Scheme 2023. Collection method: clinical testing. Allele origin: germline.
Comment: The p.F5I variant (also known as c.13T>A), located in coding exon 1 of the CDKN2A gene, results from a T to A substitution at nucleotide position 13. The phenylalanine at codon 5 is replaced by isoleucine, an amino acid with highly similar properties. This amino acid position is not well conserved in available vertebrate species. In addition, the in silico prediction for this alteration is inconclusive. Based on the available evidence, the clinical significance of this variant remains unclear.

Myriad Genetics, Inc.
Classification: Uncertain significance for Melanoma-pancreatic cancer syndrome. Last evaluated: 2023-04-21. Review status: criteria provided, single submitter. Criteria: Myriad Autosomal Dominant, Autosomal Recessive and X-Linked Classification Criteria (2023). Collection method: clinical testing. Allele origin: unknown.
Comment: This variant is classified as a variant of uncertain significance as there is insufficient evidence to determine its impact on protein function and/or cancer risk.

Labcorp Genetics (formerly Invitae), Labcorp
Classification: Uncertain significance for Familial melanoma. Last evaluated: 2021-09-16. Review status: criteria provided, single submitter. Criteria: Invitae Variant Classification Sherloc (09022015). Collection method: clinical testing. Allele origin: germline.

PreventionGenetics, part of Exact Sciences
Classification: Uncertain significance. Last evaluated: 2017-10-10. Review status: criteria provided, single submitter. Criteria: ACMG Guidelines, 2015. Collection method: clinical testing. Allele origin: germline.

GeneDx
Classification: Uncertain significance. Last evaluated: 2015-06-19. Review status: criteria provided, single submitter. Criteria: GeneDx Variant Classification (06012015). Collection method: clinical testing. Allele origin: germline. Affected: yes.
Comment: This variant is denoted CDKN2A c.13T>A at the cDNA level, p.Phe5Ile (F5I) at the protein level, and results in the change of a Phenylalanine to an Isoleucine (TTC>ATC) in exon 1 of the p14-ARF protein. Of note, the CDKN2A gene encodes the p16 protein, and using an alternate reading frame, the p14-ARF protein as well. As these two proteins only share exon 2 of the CDKN2A gene, CDKN2A Phe5Ile will not affect the p16 protein. This variant has not, to our knowledge, been published in the literature as pathogenic or benign. CDKN2A Phe5Ile was not observed in approximately 6,500 individuals of European and African American ancestry in the NHLBI Exome Sequencing Project, indicating it is not a common benign variant in these populations. Since Phenylalanine and Isoleucine share similar properties, this is considered a conservative amino acid substitution. CDKN2A Phe5Ile occurs at a position that is not conserved and is located in the region of interaction with CDK5RAP3 and MDM2 (UniProt). In silico analyses are inconsistent regarding the effect this variant may have on protein structure and function. Based on currently available information, it is unclear whether CDKN2A Phe5Ile is pathogenic or benign. We consider it to be a variant of uncertain significance.

Counsyl
Classification: Uncertain significance for Melanoma-pancreatic cancer syndrome. Last evaluated: 2016-09-29. Review status: no assertion criteria provided. Collection method: clinical testing. Allele origin: unknown. Not counted in ClinVar's aggregate classification.

NM_058195.4(CDKN2A):c.13T>A (p.Phe5Ile)

Gene: CDKN2A (cyclin dependent kinase inhibitor 2A; minus strand). Cytogenetic location: 9p21.3.
Variant type: single nucleotide variant.
Coding change: c.13T>A on transcript NM_058195.4 (MANE Plus Clinical); coding-DNA position 13, T replaced by A.
Protein change: p.Phe5Ile; replaces phenylalanine 5 with isoleucine.
Molecular consequence: missense variant. On other transcripts: intron variant (1).
Genome position (GRCh38, 1-based): chr9:21,994,319, A>T on the plus strand (T>A on the coding strand, the complement: CDKN2A is on the minus strand). VCF-style: chr9-21994319-A-T. GRCh37 (hg19) VCF-style: chr9-21994318-A-T.
Other names: c.-4+502T>A (NM_001363763.2); short protein forms F5I.
Identifiers: ClinVar variation 245816 (VCV000245816.14), dbSNP rs776987532, ClinGen allele CA5012402.
Genomic context (GRCh38, chr9:21,994,319, plus strand): 5'-CCACGAAAACCCTCACTCGCGGCGGGCCGCACGCGCGCCGAATCCGGAGGGTCACCAAGA[A>T]CCTGCGCACCATGTTCTCGCCGCCTCCAGGGCCGAGCTCGGCAGCCGCTGCGCCGCCCTT-3'
Protein context (NP_478102.2, residues 1-15): MVRR[Phe5Ile]LVTLRIRRAC